The following is an entry in ClinVar:

ClinVar aggregate classification (germline): Uncertain significance (1 of 4 stars; one submission).

Allele frequency attached by ClinVar (database versions not stated): gnomAD 0.00001.
gnomAD v4.1: 3 of 1,613,674 alleles (0.00019%); highest among the groups gnomAD compares: African/African-American, 0.004%; no homozygotes.

Submission:

Labcorp Genetics (formerly Invitae), Labcorp
Classification: Uncertain significance. Last evaluated: 2021-08-18. Review status: criteria provided, single submitter. Criteria: Invitae Variant Classification Sherloc (09022015). Collection method: clinical testing. Allele origin: germline.
Comment: In summary, the available evidence is currently insufficient to determine the role of this variant in disease. Therefore, it has been classified as a Variant of Uncertain Significance. Advanced modeling of protein sequence and biophysical properties (such as structural, functional, and spatial information, amino acid conservation, physicochemical variation, residue mobility, and thermodynamic stability) performed at Invitae indicates that this missense variant is not expected to disrupt ROR2 protein function. This variant has not been reported in the literature in individuals affected with ROR2-related conditions. This variant is not present in population databases (ExAC no frequency). This sequence change replaces valine with leucine at codon 909 of the ROR2 protein (p.Val909Leu). The valine residue is highly conserved and there is a small physicochemical difference between valine and leucine.

NM_004560.4(ROR2):c.2725G>C (p.Val909Leu)

Gene: ROR2 (receptor tyrosine kinase like orphan receptor 2; minus strand). Cytogenetic location: 9q22.31.
Variant type: single nucleotide variant.
Coding change: c.2725G>C on transcript NM_004560.4 (MANE Select); coding-DNA position 2725, G replaced by C.
Protein change: p.Val909Leu; replaces valine 909 with leucine.
Molecular consequence: missense variant.
Genome position (GRCh38, 1-based): chr9:91,723,769, C>G on the plus strand (G>C on the coding strand, the complement: ROR2 is on the minus strand). VCF-style: chr9-91723769-C-G. GRCh37 (hg19) VCF-style: chr9-94486051-C-G.
Other names: short protein forms V909L.
Identifiers: ClinVar variation 1354635 (VCV001354635.6), dbSNP rs778811682, ClinGen allele CA373793216.